The following is an entry in ClinVar:

NM_052874.5(STX1B):c.734G>A (p.Arg245Gln)

Gene: STX1B (syntaxin 1B; minus strand). Cytogenetic location: 16p11.2.
Variant type: single nucleotide variant.
Coding change: c.734G>A on transcript NM_052874.5 (MANE Select); coding-DNA position 734, G replaced by A.
Protein change: p.Arg245Gln; replaces arginine 245 with glutamine.
Molecular consequence: missense variant.
Genome position (GRCh38, 1-based): chr16:30,993,182, C>T on the plus strand (G>A on the coding strand, the complement: STX1B is on the minus strand). VCF-style: chr16-30993182-C-T. GRCh37 (hg19) VCF-style: chr16-31004503-C-T.
Other names: short protein forms R245Q.
Identifiers: ClinVar variation 862668 (VCV000862668.9), dbSNP rs1246807785, ClinGen allele CA395646822.

ClinVar aggregate classification (germline): Uncertain significance (1 of 4 stars; one submission).

Conditions:
Generalized epilepsy with febrile seizures plus, type 9 (GEFSP9). Also called: GEFS+, TYPE 9. Identifiers: Orphanet 36387, MedGen C4015395, MONDO:0014517, OMIM 616172.

Allele frequency attached by ClinVar (database versions not stated): gnomAD exomes below 0.00001 and 0.00001; gnomAD 0.00001; TOPMed 0.00002.
gnomAD v4.1: 4 of 1,614,084 alleles (0.00025%); highest among the groups gnomAD compares: African/African-American, 0.0027%; no homozygotes.

Submission:

Labcorp Genetics (formerly Invitae), Labcorp
Classification: Uncertain significance for Generalized epilepsy with febrile seizures plus, type 9. Last evaluated: 2023-03-21. Review status: criteria provided, single submitter. Criteria: Invitae Variant Classification Sherloc (09022015). Collection method: clinical testing. Allele origin: germline.
Comment: This sequence change replaces arginine, which is basic and polar, with glutamine, which is neutral and polar, at codon 245 of the STX1B protein (p.Arg245Gln). In summary, the available evidence is currently insufficient to determine the role of this variant in disease. Therefore, it has been classified as a Variant of Uncertain Significance. Advanced modeling of protein sequence and biophysical properties (such as structural, functional, and spatial information, amino acid conservation, physicochemical variation, residue mobility, and thermodynamic stability) performed at Invitae indicates that this missense variant is not expected to disrupt STX1B protein function. ClinVar contains an entry for this variant (Variation ID: 862668). This variant has not been reported in the literature in individuals affected with STX1B-related conditions. This variant is present in population databases (no rsID available, gnomAD 0.0009%).